The following is an entry in ClinVar:

ClinVar aggregate classification (germline): Likely benign. Review status: criteria provided, single submitter (1 of 4 stars). 2 submissions from 2 submitters: Likely benign (1). 1 of the submissions does not count toward it. Last evaluated 2026-01-29.

Conditions:
Kabuki syndrome. Also called: NIIKAWA-KUROKI SYNDROME; Kabuki make-up syndrome. Identifiers: Orphanet 2322, MedGen C0796004, MONDO:0016512.

Submissions (2):

Labcorp Genetics (formerly Invitae), Labcorp
Classification: Likely benign for Kabuki syndrome. Last evaluated: 2026-01-29. Review status: criteria provided, single submitter. Criteria: Invitae Variant Classification Sherloc (09022015). Collection method: clinical testing. Allele origin: germline.

ITMI
No classification provided. Condition: AllHighlyPenetrant. Last evaluated: 2013-09-19. Review status: no classification provided. Collection method: reference population. Allele origin: germline. Not counted in ClinVar's aggregate classification.
Comment: Please see associated publication for description of ethnicities

Literature cited by the submitters: PubMed 24728327 (cited by ITMI).

NM_003482.4(KMT2D):c.3180_3181delinsTT (p.Lys1060_Val1061delinsAsnLeu)

Gene: KMT2D (lysine methyltransferase 2D; minus strand). Cytogenetic location: 12q13.12.
Variant type: Indel.
Coding change: c.3180_3181delinsTT on transcript NM_003482.4 (MANE Select); coding-DNA positions 3180 to 3181, GG replaced by TT.
Protein change: p.Lys1060_Val1061delinsAsnLeu.
Molecular consequence: missense variant.
Genome position (GRCh38, 1-based): chr12:49,050,407-49,050,408, CC replaced by AA on the plus strand (GG replaced by TT on the coding strand, the reverse complement: KMT2D is on the minus strand). VCF-style: chr12-49050407-CC-AA. GRCh37 (hg19) VCF-style: chr12-49444190-CC-AA.
Identifiers: ClinVar variation 134670 (VCV000134670.8), dbSNP rs587778454, ClinGen allele CA160503.